The following is an entry in ClinVar:

NM_000143.4(FH):c.453G>C (p.Met151Ile)

Gene: FH (fumarate hydratase; minus strand). Cytogenetic location: 1q43.
Variant type: single nucleotide variant.
Coding change: c.453G>C on transcript NM_000143.4 (MANE Select); coding-DNA position 453, G replaced by C.
Protein change: p.Met151Ile; replaces methionine 151 with isoleucine.
Molecular consequence: missense variant.
Genome position (GRCh38, 1-based): chr1:241,512,069, C>G on the plus strand (G>C on the coding strand, the complement: FH is on the minus strand). VCF-style: chr1-241512069-C-G. GRCh37 (hg19) VCF-style: chr1-241675369-C-G.
Other names: short protein forms M151I.
Identifiers: ClinVar variation 3642220 (VCV003642220.2).

ClinVar aggregate classification (germline): Likely pathogenic (1 of 4 stars; one submission).

Submission:

Labcorp Genetics (formerly Invitae), Labcorp
Classification: Likely pathogenic. Last evaluated: 2025-08-04. Review status: criteria provided, single submitter. Criteria: Invitae Variant Classification Sherloc (09022015). Collection method: clinical testing. Allele origin: germline.
Comment: This sequence change replaces methionine, which is neutral and non-polar, with isoleucine, which is neutral and non-polar, at codon 151 of the FH protein (p.Met151Ile). This variant is not present in population databases (gnomAD no frequency). This variant has not been reported in the literature in individuals affected with FH-related conditions. ClinVar contains an entry for this variant (Variation ID: 3642220). Invitae Evidence Modeling of protein sequence and biophysical properties (such as structural, functional, and spatial information, amino acid conservation, physicochemical variation, residue mobility, and thermodynamic stability) indicates that this missense variant is expected to disrupt FH protein function with a positive predictive value of 95%. This variant disrupts the p.Met151 amino acid residue in FH. Other variant(s) that disrupt this residue have been determined to be pathogenic (internal data). This suggests that this residue is clinically significant, and that variants that disrupt this residue are likely to be disease-causing. In summary, the currently available evidence indicates that the variant is pathogenic, but additional data are needed to prove that conclusively. Therefore, this variant has been classified as Likely Pathogenic.